The following is an entry in ClinVar:

ClinVar aggregate classification (germline): Pathogenic (1 of 4 stars; one submission).

Conditions:
Arrhythmogenic cardiomyopathy with wooly hair and keratoderma. Also called: Dilated cardiomyopathy with woolly hair and keratoderma; Arrhythmogenic cardiomyopathy with woolly hair and keratoderma; PALMOPLANTAR KERATODERMA WITH LEFT VENTRICULAR CARDIOMYOPATHY AND WOOLLY HAIR; Carvajal syndrome. Identifiers: Orphanet 65282, MedGen C1854063, MONDO:0011581, OMIM 605676.
Arrhythmogenic right ventricular dysplasia 8 (ARVD8). Also called: Arrhythmogenic Right Ventricular Dysplasia/Cardiomyopathy 8; ARRHYTHMOGENIC RIGHT VENTRICULAR DYSPLASIA, FAMILIAL, 8; ARRHYTHMOGENIC RIGHT VENTRICULAR CARDIOMYOPATHY 8. Identifiers: MedGen C1843896, MONDO:0011831, OMIM 607450.

Allele frequency attached by ClinVar (database versions not stated): gnomAD exomes below 0.00001; gnomAD 0.00001; 1000 Genomes Project 0.00020; 1000 Genomes Project 30x 0.00031.
gnomAD v4.1: 2 of 1,614,070 alleles (0.00012%); highest among the groups gnomAD compares: East Asian, 0.0022%; no homozygotes.

Submission:

Labcorp Genetics (formerly Invitae), Labcorp
Classification: Pathogenic for Arrhythmogenic cardiomyopathy with wooly hair and keratoderma; Arrhythmogenic right ventricular dysplasia 8. Last evaluated: 2023-10-29. Review status: criteria provided, single submitter. Criteria: Invitae Variant Classification Sherloc (09022015). Collection method: clinical testing. Allele origin: germline.
Comment: This sequence change creates a premature translational stop signal (p.Trp1959*) in the DSP gene. While this is not anticipated to result in nonsense mediated decay, it is expected to disrupt the last 913 amino acid(s) of the DSP protein. This variant is not present in population databases (gnomAD no frequency). This variant has not been reported in the literature in individuals affected with DSP-related conditions. This variant disrupts a region of the DSP protein in which other variant(s) (p.Glu2728Glyfs*11) have been determined to be pathogenic (Invitae). This suggests that this is a clinically significant region of the protein, and that variants that disrupt it are likely to be disease-causing. For these reasons, this variant has been classified as Pathogenic.

NM_004415.4(DSP):c.5877G>A (p.Trp1959Ter)

Gene: DSP (desmoplakin; plus strand). Cytogenetic location: 6p24.3.
Variant type: single nucleotide variant.
Coding change: c.5877G>A on transcript NM_004415.4 (MANE Select); coding-DNA position 5877, G replaced by A.
Protein change: p.Trp1959Ter; replaces tryptophan 1959 with a stop codon.
Molecular consequence: nonsense.
Genome position (GRCh38, 1-based): chr6:7,583,139, G>A. VCF-style: chr6-7583139-G-A. GRCh37 (hg19) VCF-style: chr6-7583372-G-A.
Other names: c.4080G>A, p.Trp1360Ter (NM_001008844.3); c.4548G>A, p.Trp1516Ter (NM_001319034.2); short protein forms W1360*, W1516*, W1959*.
Identifiers: ClinVar variation 2925389 (VCV002925389.3), dbSNP rs201774541, ClinGen allele CA133972604.
Genomic context (GRCh38, chr6:7,583,139, plus strand): 5'-TGATAAACTCAGACAGCGCCCATATGGGTCCCATCGAGAGACCCAGACTGAGTGTGAGTG[G>A]ACCGTTGACACCTCCAAGCTGGTGTTTGATGGGCTGAGGAAGAAGGTGACAGCAATGCAG-3'